The following is an entry in ClinVar:

ClinVar aggregate classification (germline): Pathogenic. Review status: criteria provided, multiple submitters, no conflicts (2 of 4 stars). 2 submissions from 2 submitters: Pathogenic (2). Last evaluated 2026-03-30.

Conditions:
Mucopolysaccharidosis type 1. Also called: IDUA deficiency; MPS I; Mucopolysaccharidosis Type I. Identifiers: Orphanet 579, MedGen C0023786, MONDO:0001586.

Submissions (2):

Myriad Genetics, Inc.
Classification: Pathogenic for Mucopolysaccharidosis type 1. Last evaluated: 2026-03-30. Review status: criteria provided, single submitter. Criteria: Myriad Autosomal Dominant, Autosomal Recessive and X-Linked Classification Criteria (2023). Collection method: clinical testing. Allele origin: unknown.
Comment: NM_000203.3(IDUA):c.175delA(S59Afs*49) is expected to be pathogenic in the context of mucopolysaccharidosis type I. This variant is predicted to lead to an abnormal or absent protein product due to the creation of a premature termination codon in IDUA, a gene where loss-of-function variants are known to be pathogenic. Please note: this variant was assessed in the context of healthy population screening.

Labcorp Genetics (formerly Invitae), Labcorp
Classification: Pathogenic for Mucopolysaccharidosis type 1. Last evaluated: 2023-10-20. Review status: criteria provided, single submitter. Criteria: Invitae Variant Classification Sherloc (09022015). Collection method: clinical testing. Allele origin: germline.
Comment: This sequence change creates a premature translational stop signal (p.Ser59Alafs*49) in the IDUA gene. It is expected to result in an absent or disrupted protein product. Loss-of-function variants in IDUA are known to be pathogenic (PMID: 11735025, 21480867). This variant is not present in population databases (gnomAD no frequency). This variant has not been reported in the literature in individuals affected with IDUA-related conditions. For these reasons, this variant has been classified as Pathogenic.

Literature cited by the submitters: PubMed 11735025 (cited by Labcorp Genetics (formerly Invitae), Labcorp); PubMed 21480867 (cited by Labcorp Genetics (formerly Invitae), Labcorp).

NM_000203.5(IDUA):c.175del (p.Ser59fs)

Genes: SLC26A1 (solute carrier family 26 member 1; minus strand), IDUA (alpha-L-iduronidase; plus strand). Cytogenetic location: 4p16.3.
Variant type: Deletion.
Coding change: c.175del on transcript NM_000203.5 (MANE Select); coding-DNA position 175, one base deleted (A; older notation c.175delA).
Protein change: p.Ser59fs; shifts the reading frame from serine 59.
Molecular consequence: frameshift variant. On other transcripts: 3 prime UTR variant (2), non-coding transcript variant (1), intron variant (1).
Genome position (GRCh38, 1-based): chr4:987,825, A deleted. VCF-style (leftmost placement, unchanged base first): chr4-987824-CA-C. GRCh37 (hg19) VCF-style: chr4-981612-CA-C.
Other names: c.*1008del (NM_022042.4, NM_213613.4); c.576+3303del (NM_134425.4); short protein forms S59fs.
Identifiers: ClinVar variation 2959727 (VCV002959727.4), dbSNP rs2534007813, ClinGen allele CA2740091079.